The following is an entry in ClinVar:

ClinVar aggregate classification (germline): Conflicting classifications of pathogenicity. Review status: criteria provided, conflicting classifications (1 of 4 stars). 3 submissions from 3 submitters: Uncertain significance (2); Likely benign (1). Last evaluated 2025-08-06.

Conditions:
Inborn genetic diseases. Identifiers: MedGen C0950123, MeSH D030342.

Allele frequency attached by ClinVar (database versions not stated): TOPMed 0.00004; gnomAD 0.00003.
gnomAD v4.1: 9 of 1,614,026 alleles (0.00056%); highest among the groups gnomAD compares: African/African-American, 0.011%; no homozygotes.

Submissions (3):

Dasa
Classification: Uncertain significance. Last evaluated: 2025-08-06. Review status: criteria provided, single submitter. Criteria: DASA Assertion Criteria. Collection method: clinical testing. Allele origin: germline.
Comment: NM_001845.6(COL4A1):c.2584C>G (p.Leu862Val) is a missense variant that results in the substitution of leucine with valine. This variant is rare in population databases. The currently available literature and clinical evidence are not sufficient to establish a definitive association between this variant and the reported condition. Therefore, this variant is classified as a variant of uncertain significance.

Ambry Genetics
Classification: Likely benign for Inborn genetic diseases. Last evaluated: 2025-05-28. Review status: criteria provided, single submitter. Criteria: Ambry Variant Classification Scheme 2023. Collection method: clinical testing. Allele origin: germline.

Labcorp Genetics (formerly Invitae), Labcorp
Classification: Uncertain significance. Last evaluated: 2024-07-06. Review status: criteria provided, single submitter. Criteria: Invitae Variant Classification Sherloc (09022015). Collection method: clinical testing. Allele origin: germline.
Comment: This sequence change replaces leucine, which is neutral and non-polar, with valine, which is neutral and non-polar, at codon 862 of the COL4A1 protein (p.Leu862Val). This variant is present in population databases (no rsID available, gnomAD 0.02%). This variant has not been reported in the literature in individuals affected with COL4A1-related conditions. An algorithm developed to predict the effect of missense changes on protein structure and function (PolyPhen-2) suggests that this variant is likely to be tolerated. In summary, the available evidence is currently insufficient to determine the role of this variant in disease. Therefore, it has been classified as a Variant of Uncertain Significance.

NM_001845.6(COL4A1):c.2584C>G (p.Leu862Val)

Gene: COL4A1 (collagen type IV alpha 1 chain; minus strand). Cytogenetic location: 13q34.
Variant type: single nucleotide variant.
Coding change: c.2584C>G on transcript NM_001845.6 (MANE Select); coding-DNA position 2584, C replaced by G.
Protein change: p.Leu862Val; replaces leucine 862 with valine.
Molecular consequence: missense variant.
Genome position (GRCh38, 1-based): chr13:110,178,106, G>C on the plus strand (C>G on the coding strand, the complement: COL4A1 is on the minus strand). VCF-style: chr13-110178106-G-C. GRCh37 (hg19) VCF-style: chr13-110830453-G-C.
Other names: c.2584C>G (NM_001845.4); short protein forms L862V.
Identifiers: ClinVar variation 2983096 (VCV002983096.6), dbSNP rs975712950, ClinGen allele CA256255495.
Genomic context (GRCh38, chr13:110,178,106, plus strand): 5'-AGTTCAAAAATCACTTACCTGGAAACCCAGGAATCCCAGGAGCCCCCTGCTGTCCAGGAA[G>C]GCCAGGGAGCCCCGACTGTCCCGTTATGCCAGGGAGTCCTTGAGCCCCTTTATCTCCTTT-3'
Protein context (NP_001836.3, residues 852-872): GITGQSGLPG[Leu862Val]PGQQGAPGIP